The following is an entry in ClinVar:

ClinVar aggregate classification (germline): Uncertain significance (1 of 4 stars; one submission).

Conditions:
Sulfite oxidase deficiency due to molybdenum cofactor deficiency type C. Also called: Molybdenum cofactor deficiency, complementation group C; Molybdenum cofactor deficiency C. Identifiers: Orphanet 308400, Orphanet 833, MedGen C1854990, MONDO:0014212, OMIM 615501.

Allele frequency attached by ClinVar (database versions not stated): gnomAD exomes below 0.00001.
gnomAD v4.1: 1 of 1,600,020 alleles (0.000062%); highest among the groups gnomAD compares: Non-Finnish European, 0.000086%; no homozygotes.

Submission:

Labcorp Genetics (formerly Invitae), Labcorp
Classification: Uncertain significance for Sulfite oxidase deficiency due to molybdenum cofactor deficiency type C. Last evaluated: 2017-11-18. Review status: criteria provided, single submitter. Criteria: Invitae Variant Classification Sherloc (09022015). Collection method: clinical testing. Allele origin: germline.
Comment: This sequence change replaces alanine with valine at codon 413 of the GPHN protein (p.Ala413Val). The alanine residue is highly conserved and there is a small physicochemical difference between alanine and valine. This variant is not present in population databases (ExAC no frequency). This variant has not been reported in the literature in individuals with GPHN-related disease. Algorithms developed to predict the effect of missense changes on protein structure and function do not agree on the potential impact of this missense change (SIFT: "Deleterious"; PolyPhen-2: "Possibly Damaging"; Align-GVGD: "Class C0"). In summary, the available evidence is currently insufficient to determine the role of this variant in disease. Therefore, it has been classified as a Variant of Uncertain Significance.

NM_020806.5(GPHN):c.1238C>T (p.Ala413Val)

Gene: GPHN (gephyrin; plus strand). Cytogenetic location: 14q23.3.
Variant type: single nucleotide variant.
Coding change: c.1238C>T on transcript NM_020806.5 (MANE Select); coding-DNA position 1238, C replaced by T.
Protein change: p.Ala413Val; replaces alanine 413 with valine.
Molecular consequence: missense variant.
Genome position (GRCh38, 1-based): chr14:67,100,856, C>T. VCF-style: chr14-67100856-C-T. GRCh37 (hg19) VCF-style: chr14-67567573-C-T.
Other names: c.1139C>T, p.Ala380Val (NM_001024218.2); c.1298C>T, p.Ala433Val (NM_001377514.1); c.1268C>T, p.Ala423Val (NM_001377515.1); c.1259C>T, p.Ala420Val (NM_001377516.1); c.1211C>T, p.Ala404Val (NM_001377517.1); c.1196C>T, p.Ala399Val (NM_001377518.1); c.1178C>T, p.Ala393Val (NM_001377519.1); short protein forms A413V, A380V, A393V, A399V, A404V, A420V, A423V, A433V.
Identifiers: ClinVar variation 534547 (VCV000534547.8), dbSNP rs1555490611, ClinGen allele CA390257652.